The following is an entry in ClinVar:

NM_000548.5(TSC2):c.4457C>T (p.Ala1486Val)

Gene: TSC2 (TSC complex subunit 2; plus strand). Cytogenetic location: 16p13.3.
Variant type: single nucleotide variant.
Coding change: c.4457C>T on transcript NM_000548.5 (MANE Select); coding-DNA position 4457, C replaced by T.
Protein change: p.Ala1486Val; replaces alanine 1486 with valine.
Molecular consequence: missense variant.
Genome position (GRCh38, 1-based): chr16:2,084,679, C>T. VCF-style: chr16-2084679-C-T. GRCh37 (hg19) VCF-style: chr16-2134680-C-T.
Other names: c.4256C>T, p.Ala1419Val (NM_001077183.3); c.4388C>T, p.Ala1463Val (NM_001114382.3); c.4148C>T, p.Ala1383Val (NM_001318827.2); c.4112C>T, p.Ala1371Val (NM_001318829.2); c.3725C>T, p.Ala1242Val (NM_001318831.2); c.4289C>T, p.Ala1430Val (NM_001318832.2); c.4259C>T, p.Ala1420Val (NM_001363528.2); c.4325C>T, p.Ala1442Val (NM_001370404.1); and 1 more; short protein forms A1486V, A1242V, A1383V, A1430V, A1371V, A1442V, A1443V, A1419V.
Identifiers: ClinVar variation 406105 (VCV000406105.20), dbSNP rs773527337, ClinGen allele CA051222.

ClinVar aggregate classification (germline): Conflicting classifications of pathogenicity. Review status: criteria provided, conflicting classifications (1 of 4 stars). 7 submissions from 7 submitters: Uncertain significance (5); Likely benign (2). Last evaluated 2025-08-18.

Conditions:
Isolated focal cortical dysplasia type II (FCORD2). Also called: CORTICAL DYSPLASIA OF TAYLOR; Focal cortical dysplasia type II. Identifiers: Orphanet 268994, MedGen C1846385, MONDO:0011818, OMIM 607341, HP:0032051.
Lymphangiomyomatosis (LAM). Also called: Lymphangioleiomyomatosis, somatic; Lymphangioleiomyomatosis. Identifiers: Orphanet 538, MedGen C0751674, MONDO:0011705, OMIM 606690.
Tuberous sclerosis 2 (TSC2). Identifiers: Orphanet 805, MedGen C1860707, MONDO:0013199, OMIM 613254.
Hereditary cancer-predisposing syndrome. Also called: Tumor predisposition; Neoplastic Syndromes, Hereditary; Hereditary Cancer Syndrome; Hereditary neoplastic syndrome. Identifiers: Orphanet 140162, MedGen C0027672, MeSH D009386, MONDO:0015356.
Tuberous sclerosis syndrome (TSC). Also called: Tuberous Sclerosis Complex; Tuberous sclerosis. Identifiers: Orphanet 805, MedGen C0041341, MONDO:0001734.

Allele frequency attached by ClinVar (database versions not stated): gnomAD exomes below 0.00001; ExAC 0.00001; gnomAD 0.00001; TOPMed 0.00001.
gnomAD v4.1: 7 of 1,598,500 alleles (0.00044%); highest among the groups gnomAD compares: Admixed American, 0.0017%; no homozygotes.

Submissions (7):

Labcorp Genetics (formerly Invitae), Labcorp
Classification: Likely benign for Tuberous sclerosis 2. Last evaluated: 2025-08-18. Review status: criteria provided, single submitter. Criteria: Invitae Variant Classification Sherloc (09022015). Collection method: clinical testing. Allele origin: germline.

Color Diagnostics, LLC DBA Color Health
Classification: Uncertain significance for Tuberous sclerosis syndrome. Last evaluated: 2025-06-02. Review status: criteria provided, single submitter. Criteria: ACMG Guidelines, 2015. Collection method: clinical testing. Allele origin: germline.
Comment: This missense variant replaces alanine with valine at codon 1486 of the TSC2 protein. Computational prediction suggests that this variant may not impact protein structure and function. To our knowledge, functional studies have not been reported for this variant. This variant has not been reported in individuals affected with TSC2-related disorders in the literature. This variant has been identified in 1/237456 chromosomes in the general population by the Genome Aggregation Database (gnomAD). The available evidence is insufficient to determine the role of this variant in disease conclusively. Therefore, this variant is classified as a Variant of Uncertain Significance.

Fulgent Genetics
Classification: Uncertain significance for Lymphangiomyomatosis; Isolated focal cortical dysplasia type II; Tuberous sclerosis 2. Last evaluated: 2024-05-24. Review status: criteria provided, single submitter. Criteria: ACMG Guidelines, 2015. Collection method: clinical testing. Allele origin: germline.

Ambry Genetics
Classification: Uncertain significance for Hereditary cancer-predisposing syndrome. Last evaluated: 2023-11-16. Review status: criteria provided, single submitter. Criteria: Ambry Variant Classification Scheme 2023. Collection method: clinical testing. Allele origin: germline.
Comment: The p.A1486V variant (also known as c.4457C>T), located in coding exon 33 of the TSC2 gene, results from a C to T substitution at nucleotide position 4457. The alanine at codon 1486 is replaced by valine, an amino acid with similar properties. This alteration has been reported as a variant of unknown significance in an individual with a personal history of breast cancer from a cohort of 1191 cancer index patients who underwent clinical evaluation and testing with multigene panels (Chan GHJ et al. Oncotarget, 2018 Jul;9:30649-30660). This amino acid position is not well conserved in available vertebrate species. In addition, the in silico prediction for this alteration is inconclusive. Since supporting evidence is limited at this time, the clinical significance of this alteration remains unclear.

All of Us Research Program, National Institutes of Health
Classification: Uncertain significance for Tuberous sclerosis syndrome. Last evaluated: 2023-10-02. Review status: criteria provided, single submitter. Criteria: ACMG Guidelines, 2015. Collection method: clinical testing. Allele origin: germline. Inheritance: Autosomal dominant inheritance. Observed: 3 variant alleles, 3 heterozygotes.
Comment: This missense variant replaces alanine with valine at codon 1486 of the TSC2 protein. Computational prediction suggests that this variant may not impact protein structure and function (internally defined REVEL score threshold <= 0.5, PMID: 27666373). To our knowledge, functional studies have not been reported for this variant. This variant has not been reported in individuals affected with tuberous sclerosis complex in the literature. This variant has been identified in 1/237456 chromosomes in the general population by the Genome Aggregation Database (gnomAD). The available evidence is insufficient to determine the role of this variant in disease conclusively. Therefore, this variant is classified as a Variant of Uncertain Significance.

This study involves interpretation of variants in research participants for the purpose of population health screening. Participant phenotype was not available at the time of variant classification. Additional details can be found in publication PMID: 35346344, PMCID: PMC8962531

Genome-Nilou Lab
Classification: Likely benign for Tuberous sclerosis 2. Last evaluated: 2021-11-07. Review status: criteria provided, single submitter. Criteria: ACMG Guidelines, 2015. Collection method: clinical testing. Allele origin: germline. Affected: no.

Athena Diagnostics
Classification: Uncertain significance. Last evaluated: 2017-07-31. Review status: criteria provided, single submitter. Criteria: Athena Diagnostics Criteria. Collection method: clinical testing. Allele origin: germline.

Literature cited by the submitters: PubMed 30093976 (cited by Ambry Genetics).